The following is an entry in ClinVar:

ClinVar aggregate classification (germline): Pathogenic (1 of 4 stars; one submission).

Conditions:
Congenital microvillous atrophy (DIAR2). Also called: CONGENITAL FAMILIAL PROTRACTED DIARRHEA WITH ENTEROCYTE BRUSH-BORDER ABNORMALITIES; DAVIDSON DISEASE; MICROVILLUS ATROPHY, CONGENITAL; Microvillus inclusion disease; Diarrhea 2 with microvillus atrophy, with or without cholestasis. Identifiers: Orphanet 2290, MedGen C0341306, MONDO:0009635, OMIM 251850.

gnomAD v4.1: 14 of 1,612,782 alleles (0.00087%); highest among the groups gnomAD compares: Non-Finnish European, 0.0012%; no homozygotes.

Submission:

Aleixo Muise Laboratory, Hospital For Sick Children
Classification: Pathogenic for Congenital microvillous atrophy. Last evaluated: 2024-07-05. Review status: criteria provided, single submitter. Criteria: ACMG Guidelines, 2015. Collection method: research. Allele origin: inherited. Affected: yes. Observed: 1 variant allele.
Comment: PVS1;PM2;PM3;PM5;PP3;PP4

NM_001080467.3(MYO5B):c.4036C>T (p.Gln1346Ter)

Gene: MYO5B (myosin VB; minus strand). Cytogenetic location: 18q21.1.
Variant type: single nucleotide variant.
Coding change: c.4036C>T on transcript NM_001080467.3 (MANE Select); coding-DNA position 4036, C replaced by T.
Protein change: p.Gln1346Ter; replaces glutamine 1346 with a stop codon.
Molecular consequence: nonsense.
Genome position (GRCh38, 1-based): chr18:49,853,634, G>A on the plus strand (C>T on the coding strand, the complement: MYO5B is on the minus strand). VCF-style: chr18-49853634-G-A. GRCh37 (hg19) VCF-style: chr18-47380004-G-A.
Other names: short protein forms Q1346*.
Identifiers: ClinVar variation 3255321 (VCV003255321.1), dbSNP rs370647174.